The following is an entry in ClinVar:

NM_001101362.3(KBTBD13):c.1292C>T (p.Pro431Leu)

Gene: KBTBD13 (kelch repeat and BTB domain containing 13; plus strand). Cytogenetic location: 15q22.31.
Variant type: single nucleotide variant.
Coding change: c.1292C>T on transcript NM_001101362.3 (MANE Select); coding-DNA position 1292, C replaced by T.
Protein change: p.Pro431Leu; replaces proline 431 with leucine.
Molecular consequence: missense variant.
Genome position (GRCh38, 1-based): chr15:65,078,107, C>T. VCF-style: chr15-65078107-C-T. GRCh37 (hg19) VCF-style: chr15-65370445-C-T.
Other names: short protein forms P431L.
Identifiers: ClinVar variation 2706925 (VCV002706925.3), dbSNP rs781350553, ClinGen allele CA7614118.

ClinVar aggregate classification (germline): Uncertain significance. Review status: criteria provided, multiple submitters, no conflicts (2 of 4 stars). 2 submissions from 2 submitters: Uncertain significance (2). Last evaluated 2025-06-06.

Conditions:
Nemaline myopathy 6 (NEM6). Also called: Nemaline myopathy 6, autosomal dominant. Identifiers: Orphanet 171439, MedGen C1836472, MONDO:0012237, OMIM 609273.
Inborn genetic diseases. Identifiers: MedGen C0950123, MeSH D030342.

Allele frequency attached by ClinVar (database versions not stated): TOPMed below 0.00001; ExAC 0.00002.

Submissions (2):

Ambry Genetics
Classification: Uncertain significance for Inborn genetic diseases. Last evaluated: 2025-06-06. Review status: criteria provided, single submitter. Criteria: Ambry Variant Classification Scheme 2023. Collection method: clinical testing. Allele origin: germline.

Labcorp Genetics (formerly Invitae), Labcorp
Classification: Uncertain significance for Nemaline myopathy 6. Last evaluated: 2024-10-06. Review status: criteria provided, single submitter. Criteria: Invitae Variant Classification Sherloc (09022015). Collection method: clinical testing. Allele origin: germline.
Comment: This sequence change replaces proline, which is neutral and non-polar, with leucine, which is neutral and non-polar, at codon 431 of the KBTBD13 protein (p.Pro431Leu). The frequency data for this variant in the population databases is considered unreliable, as metrics indicate poor data quality at this position in the gnomAD database. This variant has not been reported in the literature in individuals affected with KBTBD13-related conditions. An algorithm developed to predict the effect of missense changes on protein structure and function (PolyPhen-2) suggests that this variant is likely to be disruptive. In summary, the available evidence is currently insufficient to determine the role of this variant in disease. Therefore, it has been classified as a Variant of Uncertain Significance.